The following is an entry in ClinVar:

ClinVar aggregate classification (germline): Uncertain significance (1 of 4 stars; one submission).

Conditions:
SYNE2-related disorder. Also called: SYNE2-related condition.

Submission:

PreventionGenetics, part of Exact Sciences
Classification: Uncertain significance for SYNE2-related condition. Last evaluated: 2025-12-01. Review status: criteria provided, single submitter. Criteria: ACMG Guidelines, 2015. Collection method: clinical testing. Allele origin: germline.
Comment: The SYNE2 c.5489G>T variant is predicted to result in the amino acid substitution p.Ser1830Ile. To our knowledge, this variant has not been reported in the literature or in a large population database (gnomAD), indicating this variant is rare. At this time, the clinical significance of this variant is uncertain due to the absence of conclusive functional and genetic evidence.

NM_182914.3(SYNE2):c.5489G>T (p.Ser1830Ile)

Gene: SYNE2 (spectrin repeat containing nuclear envelope protein 2; plus strand). Cytogenetic location: 14q23.2.
Variant type: single nucleotide variant.
Coding change: c.5489G>T on transcript NM_182914.3 (MANE Select); coding-DNA position 5489, G replaced by T.
Protein change: p.Ser1830Ile; replaces serine 1830 with isoleucine.
Molecular consequence: missense variant.
Genome position (GRCh38, 1-based): chr14:64,021,993, G>T. VCF-style: chr14-64021993-G-T. GRCh37 (hg19) VCF-style: chr14-64488711-G-T.
Other names: c.5489G>T, p.Ser1830Ile (NM_015180.6); short protein forms S1830I.
Identifiers: ClinVar variation 4993427 (VCV004993427.1).